The following is an entry in ClinVar:

ClinVar aggregate classification (germline): Likely pathogenic (1 of 4 stars; one submission).

Conditions:
Duchenne muscular dystrophy (DMD). Also called: MUSCULAR DYSTROPHY, PSEUDOHYPERTROPHIC PROGRESSIVE, DUCHENNE TYPE; Duchenne Muscular Dystrophy (DMD). Identifiers: Orphanet 98896, MedGen C0013264, MONDO:0010679, OMIM 310200.

Submission:

Labcorp Genetics (formerly Invitae), Labcorp
Classification: Likely pathogenic for Duchenne muscular dystrophy. Last evaluated: 2018-05-25. Review status: criteria provided, single submitter. Criteria: Invitae Variant Classification Sherloc (09022015). Collection method: clinical testing. Allele origin: germline.
Comment: This variant results in a copy number gain of the genomic region encompassing exons 3-9 of the DMD gene. While the exact position of this variant cannot be determined from this data, sub-genic copy number gains are generally in tandem (PMID: 25640679). This variant would be expected to be in-frame, preserving the integrity of the reading frame. A similar duplication of exons 3-9 has been reported in individuals affected with Duchenne or Becker muscular dystrophy (PMID:Â¬â€ 16917894,Â¬â€ 18683213,Â¬â€ 26911353). In summary, the currently available evidence indicates that the variant is pathogenic, but additional data are needed to prove that conclusively. Therefore, this variant has been classified as Likely Pathogenic.

NC_000023.10:g.(?_32715967)_(32867957_?)dup

Gene: DMD (dystrophin; minus strand). Cytogenetic location: Xp21.1.
Variant type: Duplication.
Identifiers: ClinVar variation 583624 (VCV000583624.1).